The following is an entry in ClinVar:

ClinVar aggregate classification (germline): Conflicting classifications of pathogenicity. Review status: no assertion criteria provided (0 of 4 stars). 2 submissions from 2 submitters: Pathogenic (1); Uncertain significance (1). Last evaluated 2024-08-06.

Conditions:
GATA4-related disorder. Also called: GATA4-related condition. Identifiers: MedGen CN860321.
Atrial septal defect 2 (ASD2). Identifiers: Orphanet 1478, MedGen C1842778, MONDO:0011938, OMIM 607941.

Submissions (2):

PreventionGenetics, part of Exact Sciences
Classification: Uncertain significance for GATA4-related condition. Last evaluated: 2024-08-06. Review status: no assertion criteria provided. Collection method: clinical testing. Allele origin: germline.
Comment: The GATA4 c.928A>G variant is predicted to result in the amino acid substitution p.Met310Val. This variant was reported to segregate with disease in eight individuals affected with atrial septal defect or pulmonary stenosis (Chen et al. 2010. PubMed ID: 20347099). This variant has not been reported in a large population database, indicating this variant is rare. Additionally, another missense variant affecting this amino acid has been reported in a parent and two children with septal defects (Bu et al. 2021. PubMed ID: 33413087). Although we suspect that this variant may be pathogenic, at this time, the clinical significance of this variant is uncertain due to the absence of conclusive functional and genetic evidence.

OMIM
Classification: Pathogenic for ATRIAL SEPTAL DEFECT 2. Last evaluated: 2010-09-01. Review status: no assertion criteria provided. Collection method: literature only. Allele origin: germline.

Literature cited by the submitters: PubMed 20347099 (cited by OMIM).

NM_001308093.3(GATA4):c.931A>G (p.Met311Val)

Gene: GATA4 (GATA binding protein 4). Cytogenetic location: 8p23.1.
Variant type: single nucleotide variant.
Coding change: c.931A>G on transcript NM_001308093.3 (MANE Select); coding-DNA position 931, A replaced by G.
Protein change: p.Met311Val; replaces methionine 311 with valine.
Molecular consequence: missense variant.
Genome position (GRCh38, 1-based): chr8:11,755,064, A>G. VCF-style: chr8-11755064-A-G. GRCh37 (hg19) VCF-style: chr8-11612573-A-G.
Other names: c.310A>G, p.Met104Val (NM_001308094.2, NM_001374273.1); c.184A>G, p.Met62Val (NM_001374274.1); c.928A>G, p.Met310Val (NM_002052.5); c.928A>G (NM_002052.4); short protein forms M310V, M104V, M311V, M62V.
Identifiers: ClinVar variation 30109 (VCV000030109.2), dbSNP rs387906772, ClinGen allele CA212676.